The following is an entry in ClinVar:

NM_004360.5(CDH1):c.389C>A (p.Ala130Asp)

Gene: CDH1 (cadherin 1; plus strand). Cytogenetic location: 16q22.1.
Variant type: single nucleotide variant.
Coding change: c.389C>A on transcript NM_004360.5 (MANE Select); coding-DNA position 389, C replaced by A.
Protein change: p.Ala130Asp; replaces alanine 130 with aspartic acid.
Molecular consequence: missense variant. On other transcripts: 5 prime UTR variant (2).
Genome position (GRCh38, 1-based): chr16:68,808,425, C>A. VCF-style: chr16-68808425-C-A. GRCh37 (hg19) VCF-style: chr16-68842328-C-A.
Other names: c.389C>A (NM_004360.3); c.389C>A, p.Ala130Asp (NM_001317184.2); c.-1227C>A (NM_001317185.2); c.-1431C>A (NM_001317186.2); short protein forms A130D.
Identifiers: ClinVar variation 1442695 (VCV001442695.9), dbSNP rs1960723934, ClinGen allele CA396457521.

ClinVar aggregate classification (germline): Conflicting classifications of pathogenicity. Review status: criteria provided, conflicting classifications (1 of 4 stars). 2 submissions from 2 submitters: Uncertain significance (1); Likely benign (1). Last evaluated 2023-10-06.

Conditions:
Hereditary cancer-predisposing syndrome. Also called: Tumor predisposition; Hereditary neoplastic syndrome; Hereditary Cancer Syndrome; Neoplastic Syndromes, Hereditary. Identifiers: Orphanet 140162, MedGen C0027672, MeSH D009386, MONDO:0015356.
Hereditary diffuse gastric adenocarcinoma (HDGC). Also called: DIFFUSE GASTRIC AND LOBULAR BREAST CANCER SYNDROME. Identifiers: Orphanet 26106, MedGen C1708349, MONDO:0007648, OMIM 137215.

Submissions (2):

Ambry Genetics
Classification: Likely benign for Hereditary cancer-predisposing syndrome. Last evaluated: 2023-10-06. Review status: criteria provided, single submitter. Criteria: Ambry Variant Classification Scheme 2023. Collection method: clinical testing. Allele origin: germline.

Labcorp Genetics (formerly Invitae), Labcorp
Classification: Uncertain significance for Hereditary diffuse gastric adenocarcinoma. Last evaluated: 2021-05-17. Review status: criteria provided, single submitter. Criteria: Invitae Variant Classification Sherloc (09022015). Collection method: clinical testing. Allele origin: germline.
Comment: This sequence change replaces alanine with aspartic acid at codon 130 of the CDH1 protein (p.Ala130Asp). The alanine residue is weakly conserved and there is a moderate physicochemical difference between alanine and aspartic acid. This variant is not present in population databases (ExAC no frequency). This variant has not been reported in the literature in individuals with CDH1-related conditions. Algorithms developed to predict the effect of missense changes on protein structure and function output the following: SIFT: "Tolerated"; PolyPhen-2: "Benign"; Align-GVGD: "Class C0". The aspartic acid amino acid residue is found in multiple mammalian species, suggesting that this missense change does not adversely affect protein function. These predictions have not been confirmed by published functional studies and their clinical significance is uncertain. In summary, the available evidence is currently insufficient to determine the role of this variant in disease. Therefore, it has been classified as a Variant of Uncertain Significance.